The following is an entry in ClinVar:

ClinVar aggregate classification (germline): Conflicting classifications of pathogenicity. Review status: criteria provided, conflicting classifications (1 of 4 stars). 5 submissions from 3 submitters: Uncertain significance (3); Benign (1); Likely benign (1). Last evaluated 2025-12-28.

Conditions:
Age related macular degeneration 5. Identifiers: MedGen C3151063, MONDO:0013409, OMIM 613761.
Cerebrooculofacioskeletal syndrome 1 (COFS1). Also called: Cerebro-oculo-facio-skeletal syndrome 1. Identifiers: MedGen C0220722, MONDO:0008955, OMIM 214150.
Cockayne syndrome type 2 (CSB). Also called: COCKAYNE SYNDROME B; Cockayne Syndrome, Type II. Identifiers: Orphanet 191, Orphanet 90322, MedGen C0751038, MONDO:0019570, OMIM 133540.

Allele frequency attached by ClinVar (database versions not stated): gnomAD 0.00001; TOPMed 0.00002; 1000 Genomes Project 30x 0.00016; gnomAD exomes 0.00019.
gnomAD v4.1: 286 of 1,614,034 alleles (0.018%); highest among the groups gnomAD compares: South Asian, 0.3%; 3 homozygotes.

Submissions (5):

Labcorp Genetics (formerly Invitae), Labcorp
Classification: Benign. Last evaluated: 2025-12-28. Review status: criteria provided, single submitter. Criteria: Invitae Variant Classification Sherloc (09022015). Collection method: clinical testing. Allele origin: germline.

CeGaT Center for Human Genetics Tuebingen
Classification: Uncertain significance. Last evaluated: 2022-07-01. Review status: criteria provided, single submitter. Criteria: CeGaT Center For Human Genetics Tuebingen Variant Classification Criteria Version 2. Collection method: clinical testing. Allele origin: germline. Affected: yes. Observed: 1 variant allele.

Illumina Laboratory Services, Illumina
Classification: Uncertain significance for Cerebrooculofacioskeletal syndrome 1. Last evaluated: 2018-01-13. Review status: criteria provided, single submitter. Criteria: ICSL Variant Classification Criteria 13 December 2019. Collection method: clinical testing. Allele origin: germline.

Illumina Laboratory Services, Illumina
Classification: Likely benign for Age related macular degeneration 5. Last evaluated: 2018-01-13. Review status: criteria provided, single submitter. Criteria: ICSL Variant Classification Criteria 13 December 2019. Collection method: clinical testing. Allele origin: germline.
Comment: This variant was observed in the ICSL laboratory as part of a predisposition screen in an ostensibly healthy population. It had not been previously curated by ICSL or reported in the Human Gene Mutation Database (HGMD: prior to June 1st, 2018), and was therefore a candidate for classification through an automated scoring system. Utilizing variant allele frequency, disease prevalence and penetrance estimates, and inheritance mode, an automated score was calculated to assess if this variant is too frequent to cause the disease. Based on the score and internal cut-off values, a variant classified as likely benign is not then subjected to further curation. The score for this variant resulted in a classification of likely benign for this disease.

Illumina Laboratory Services, Illumina
Classification: Uncertain significance for Cockayne syndrome type 2. Last evaluated: 2018-01-13. Review status: criteria provided, single submitter. Criteria: ICSL Variant Classification Criteria 13 December 2019. Collection method: clinical testing. Allele origin: germline.

NM_000124.4(ERCC6):c.1760C>T (p.Thr587Met)

Gene: ERCC6 (ERCC excision repair 6, chromatin remodeling factor; minus strand). Cytogenetic location: 10q11.23.
Variant type: single nucleotide variant.
Coding change: c.1760C>T on transcript NM_000124.4 (MANE Select); coding-DNA position 1760, C replaced by T.
Protein change: p.Thr587Met; replaces threonine 587 with methionine.
Molecular consequence: missense variant.
Genome position (GRCh38, 1-based): chr10:49,493,178, G>A on the plus strand (C>T on the coding strand, the complement: ERCC6 is on the minus strand). VCF-style: chr10-49493178-G-A. GRCh37 (hg19) VCF-style: chr10-50701224-G-A.
Other names: c.1760C>T, p.Thr587Met (NM_001346440.2); short protein forms T587M.
Identifiers: ClinVar variation 300077 (VCV000300077.39), dbSNP rs767709344, ClinGen allele CA5495877.